The following is an entry in ClinVar:

NM_001927.4(DES):c.736-2A>T

Gene: DES (desmin; plus strand). Cytogenetic location: 2q35.
Variant type: single nucleotide variant.
Coding change: c.736-2A>T on transcript NM_001927.4 (MANE Select); the canonical splice acceptor site of the intron before coding-DNA position 736, A replaced by T.
Molecular consequence: splice acceptor variant. On other transcripts: intron variant (2).
Genome position (GRCh38, 1-based): chr2:219,420,493, A>T. VCF-style: chr2-219420493-A-T. GRCh37 (hg19) VCF-style: chr2-220285215-A-T.
Other names: c.736-2A>T (NM_001382712.1, NM_001382711.1, NM_001382710.1); c.735+147A>T (NM_001382709.1); c.733-2A>T (NM_001382708.1); c.496-32A>T (NM_001382713.1).
Identifiers: ClinVar variation 1708953 (VCV001708953.2), dbSNP rs2545251939, ClinGen allele CA350690704.
Genomic context (GRCh38, chr2:219,420,493, plus strand): 5'-TAGGGGTGTGAGGGTGCTGTGTGGGCCCTGAGAGGGGACTGAAGCCCAGTCATGCCCTAC[A>T]GGAGATCCGTGAGTTGCAGGCTCAGCTTCAGGAACAGCAGGTCCAGGTGGAGATGGACAT-3'

ClinVar aggregate classification (germline): Uncertain significance (1 of 4 stars; one submission).

Conditions:
Desmin-related myofibrillar myopathy (MFM1). Also called: Desmin related myopathy (former name); Desmin storage myopathy (former name); Myofibrillar myopathy 1; Desminopathy; MYOFIBRILLAR MYOPATHY WITH ARRHYTHMOGENIC RIGHT VENTRICULAR CARDIOMYOPATHY; DESMIN-RELATED MYOPATHY WITH ARRHYTHMOGENIC RIGHT VENTRICULAR CARDIOMYOPATHY. Identifiers: Orphanet 363543, Orphanet 98909, MedGen C1832370, MONDO:0011076, OMIM 601419.

Submission:

MGZ Medical Genetics Center
Classification: Uncertain significance for Desmin-related myofibrillar myopathy. Last evaluated: 2021-12-06. Review status: criteria provided, single submitter. Criteria: ACMG Guidelines, 2015. Collection method: clinical testing. Allele origin: germline. Affected: yes. Observed: 1 variant allele.
Comment: ACMG criteria applied: PVS1_MOD, PM2_SUP